The following is an entry in ClinVar:

ClinVar aggregate classification (germline): Uncertain significance (1 of 4 stars; one submission).

Submission:

Dasa
Classification: Uncertain significance. Last evaluated: 2025-12-30. Review status: criteria provided, single submitter. Criteria: DASA Assertion Criteria. Collection method: clinical testing. Allele origin: germline.
Comment: NM_000088.4(COL1A1):c.3088_3090del (p.Pro1030del) is an in-frame deletion predicted to remove proline at protein position 1030 without shifting the reading frame. This variant is rare in population databases. The currently available literature and clinical evidence are not sufficient to establish a definitive association between this variant and the reported condition. Therefore, this variant is classified as a variant of uncertain significance.

NM_000088.4(COL1A1):c.3088_3090del (p.Pro1030del)

Gene: COL1A1 (collagen type I alpha 1 chain; minus strand). Cytogenetic location: 17q21.33.
Variant type: Deletion.
Coding change: c.3088_3090del on transcript NM_000088.4 (MANE Select); coding-DNA positions 3088 to 3090, 3 bases deleted (CCT; older notation c.3088_3090delCCT).
Protein change: p.Pro1030del; deletes proline 1030.
Molecular consequence: inframe deletion.
Genome position (GRCh38, 1-based): chr17:50,188,751-50,188,753, AGG deleted on the plus strand (CCT on the coding strand, the reverse complement: COL1A1 is on the minus strand); deleting any 3 consecutive bases within chr17:50,188,751-50,188,755 gives the same sequence; the c. name uses the placement nearest the transcript's 3' end. VCF-style (leftmost placement, unchanged base first): chr17-50188750-CAGG-C. GRCh37 (hg19) VCF-style: chr17-48266111-CAGG-C.
Other names: short protein forms P1030del.
Identifiers: ClinVar variation 4884053 (VCV004884053.2).
Genomic context (GRCh38, chr17:50,188,750, plus strand): 5'-GGGGCAGGGAAGCAGCAGACAAGGCTGTGGTCATGGAGTGTTGCCATCTTACCTTGGCGC[CAGG>C]AGAACCGTCTCGTCCAGGGGAACCTTCGGCACCAGGAGCCCCCTGCAGAGAGAGAGAGAG-3'